The following is an entry in ClinVar:

NM_024675.4(PALB2):c.3231C>A (p.Pro1077=)

Gene: PALB2 (partner and localizer of BRCA2; minus strand). Cytogenetic location: 16p12.2.
Variant type: single nucleotide variant.
Coding change: c.3231C>A on transcript NM_024675.4 (MANE Select); coding-DNA position 3231, C replaced by A.
Protein change: p.Pro1077=; no amino-acid change (proline 1077 retained).
Molecular consequence: synonymous variant.
Genome position (GRCh38, 1-based): chr16:23,607,983, G>T on the plus strand (C>A on the coding strand, the complement: PALB2 is on the minus strand). VCF-style: chr16-23607983-G-T. GRCh37 (hg19) VCF-style: chr16-23619304-G-T.
Identifiers: ClinVar variation 460983 (VCV000460983.17), dbSNP rs772714719, ClinGen allele CA7963394.

ClinVar aggregate classification (germline): Benign/Likely benign. Review status: criteria provided, multiple submitters, no conflicts (2 of 4 stars). 3 submissions from 3 submitters: Benign (1); Likely benign (2). Last evaluated 2025-10-27.

Conditions:
Familial cancer of breast. Also called: BREAST CANCER, FAMILIAL; Hereditary breast cancer; hereditary breast carcinoma. Identifiers: Orphanet 227535, MedGen C0346153, MONDO:0016419, OMIM 114480. Disease mechanism: loss of function.
Hereditary cancer-predisposing syndrome. Also called: Neoplastic Syndromes, Hereditary; Hereditary Cancer Syndrome; Hereditary neoplastic syndrome; Tumor predisposition. Identifiers: Orphanet 140162, MedGen C0027672, MeSH D009386, MONDO:0015356.

Allele frequency attached by ClinVar (database versions not stated): gnomAD exomes below 0.00001 and 0.00001; ExAC 0.00002.
gnomAD v4.1: 7 of 1,614,012 alleles (0.00043%); highest among the groups gnomAD compares: Non-Finnish European, 0.00042%; no homozygotes.

Submissions (3):

Labcorp Genetics (formerly Invitae), Labcorp
Classification: Likely benign for Familial cancer of breast. Last evaluated: 2025-10-27. Review status: criteria provided, single submitter. Criteria: Invitae Variant Classification Sherloc (09022015). Collection method: clinical testing. Allele origin: germline.

Myriad Genetics, Inc.
Classification: Benign for Familial cancer of breast. Last evaluated: 2025-01-21. Review status: criteria provided, single submitter. Criteria: Myriad Autosomal Dominant, Autosomal Recessive and X-Linked Classification Criteria (2023). Collection method: clinical testing. Allele origin: unknown.
Comment: This variant is considered benign. This variant is a silent/synonymous amino acid change and it is not expected to impact splicing.

Ambry Genetics
Classification: Likely benign for Hereditary cancer-predisposing syndrome. Last evaluated: 2017-08-17. Review status: criteria provided, single submitter. Criteria: Ambry Variant Classification Scheme 2023. Collection method: clinical testing. Allele origin: germline.